The following is an entry in ClinVar:

NM_001048174.2(MUTYH):c.-7+1616G>A

Gene: MUTYH (mutY DNA glycosylase; minus strand). Cytogenetic location: 1p34.1.
Variant type: single nucleotide variant.
Coding change: c.-7+1616G>A on transcript NM_001048174.2 (MANE Select); 1616 bases into the intron after 7 bases upstream of the start codon, G replaced by A.
Molecular consequence: intron variant.
Genome position (GRCh38, 1-based): chr1:45,338,283, C>T on the plus strand (G>A on the coding strand, the complement: MUTYH is on the minus strand). VCF-style: chr1-45338283-C-T. GRCh37 (hg19) VCF-style: chr1-45803955-C-T.
Other names: c.-214+1936G>A (NM_001350651.2); c.-219+1936G>A (NM_001293192.2); c.-278+1936G>A (NM_001350650.2); c.-7+1936G>A (NM_001048171.2); c.36+1936G>A (NM_001293190.2, NM_012222.3, NM_001128425.2); c.-219+1693G>A (NM_001293196.2); c.-7+1693G>A (NM_001048173.2, NM_001048172.2); c.-7+1616G>A (NM_001293191.2); and 1 more.
Identifiers: ClinVar variation 679774 (VCV000679774.1), dbSNP rs115736558, ClinGen allele CA10938924.

ClinVar aggregate classification (germline): Likely benign (1 of 4 stars; one submission).

Allele frequency attached by ClinVar (database versions not stated): gnomAD exomes 0.00057; gnomAD 0.00399 and 0.00426; TOPMed 0.00450; 1000 Genomes Project 0.00479; 1000 Genomes Project 30x 0.00562.
gnomAD v4.1: 831 of 533,162 alleles (0.16%); highest among the groups gnomAD compares: African/African-American, 1.4%; 5 homozygotes.

Submission:

GeneDx
Classification: Likely benign. Last evaluated: 2018-06-12. Review status: criteria provided, single submitter. Criteria: GeneDx Variant Classification (06012015). Collection method: clinical testing. Allele origin: germline. Affected: yes.
Comment: This variant is considered likely benign or benign based on one or more of the following criteria: it is a conservative change, it occurs at a poorly conserved position in the protein, it is predicted to be benign by multiple in silico algorithms, and/or has population frequency not consistent with disease.